The following is an entry in ClinVar:

ClinVar aggregate classification (germline): Conflicting classifications of pathogenicity. Review status: criteria provided, conflicting classifications (1 of 4 stars). 4 submissions from 4 submitters: Likely pathogenic (2); Uncertain significance (1). 1 of the submissions does not count toward it. Last evaluated 2022-06-08.

Conditions:
PYCR1-related disorder. Also called: PYCR1-related condition.

Allele frequency attached by ClinVar (database versions not stated): gnomAD exomes below 0.00001 and 0.00001; ExAC 0.00001; gnomAD 0.00001; TOPMed 0.00001.
gnomAD v4.1: 19 of 1,612,666 alleles (0.0012%); highest among the groups gnomAD compares: East Asian, 0.0067%; no homozygotes.

Submissions (4):

Blueprint Genetics
Classification: Likely pathogenic for PYCR1-related disorders. Last evaluated: 2022-06-08. Review status: criteria provided, single submitter. Criteria: ACMG Guidelines, 2015. Collection method: clinical testing. Allele origin: germline. Affected: yes. Observed: 1 variant allele.

CeGaT Center for Human Genetics Tuebingen
Classification: Likely pathogenic. Last evaluated: 2021-10-01. Review status: criteria provided, single submitter. Criteria: CeGaT Center For Human Genetics Tuebingen Variant Classification Criteria Version 2. Collection method: clinical testing. Allele origin: germline. Affected: yes. Observed: 1 variant allele.

Labcorp Genetics (formerly Invitae), Labcorp
Classification: Uncertain significance. Last evaluated: 2021-07-28. Review status: criteria provided, single submitter. Criteria: Invitae Variant Classification Sherloc (09022015). Collection method: clinical testing. Allele origin: germline.
Comment: This sequence change affects a donor splice site in intron 6 of the PYCR1 gene. While this variant is not anticipated to result in nonsense mediated decay, it likely alters RNA splicing and results in a disrupted protein product. This variant is present in population databases (rs768235246, ExAC 0.002%). Disruption of this splice site has been observed in individual(s) with cutis laxa (PMID: 19648921). Experimental studies and prediction algorithms are not available or were not evaluated, and the functional significance of this variant is currently unknown. Nucleotide substitutions within the consensus splice site are a relatively common cause of aberrant splicing (PMID: 17576681, 9536098). Algorithms developed to predict the effect of sequence changes on RNA splicing suggest that this variant may disrupt the consensus splice site. This variant disrupts a region of the PYCR1 protein in which other variant(s) (p.Lys289Arg) have been observed in individuals with PYCR1-related conditions (PMID: 28454995). This suggests that this is a clinically significant region of the protein, and that variants that disrupt it are likely to be disease-causing. In summary, the available evidence is currently insufficient to determine the role of this variant in disease. Therefore, it has been classified as a Variant of Uncertain Significance.

PreventionGenetics, part of Exact Sciences
Classification: Likely pathogenic for PYCR1-related condition. Last evaluated: 2024-01-18. Review status: no assertion criteria provided. Collection method: clinical testing. Allele origin: germline. Not counted in ClinVar's aggregate classification.
Comment: The PYCR1 c.797+2T>C variant is predicted to disrupt the GT donor site and interfere with normal splicing. To our knowledge, this variant has not been reported in the literature. This variant is reported in 0.0016% of alleles in individuals of European (Non-Finnish) descent in gnomAD. Variants that disrupt the consensus splice donor site in PYCR1 are expected to be pathogenic. This variant is interpreted as likely pathogenic.

Literature cited by the submitters: PubMed 19648921 (cited by Labcorp Genetics (formerly Invitae), Labcorp); PubMed 17576681 (cited by Labcorp Genetics (formerly Invitae), Labcorp); PubMed 9536098 (cited by Labcorp Genetics (formerly Invitae), Labcorp); PubMed 28454995 (cited by Labcorp Genetics (formerly Invitae), Labcorp).

NM_006907.4(PYCR1):c.797+2T>C

Gene: PYCR1 (pyrroline-5-carboxylate reductase 1; minus strand). Cytogenetic location: 17q25.3.
Variant type: single nucleotide variant.
Coding change: c.797+2T>C on transcript NM_006907.4 (MANE Select); the canonical splice donor site of the intron after coding-DNA position 797, T replaced by C.
Molecular consequence: splice donor variant. On other transcripts: intron variant (1).
Genome position (GRCh38, 1-based): chr17:81,934,324, A>G on the plus strand (T>C on the coding strand, the complement: PYCR1 is on the minus strand). VCF-style: chr17-81934324-A-G. GRCh37 (hg19) VCF-style: chr17-79892200-A-G.
Other names: c.797+2T>C (NM_006907.3, NM_001282280.2, NM_153824.3); c.704+2T>C (NM_001282279.2); c.633+329T>C (NM_001330523.2); c.878+2T>C (NM_001282281.2).
Identifiers: ClinVar variation 1335300 (VCV001335300.39), dbSNP rs768235246, ClinGen allele CA8845316.